The following is an entry in ClinVar:

ClinVar aggregate classification (germline): Pathogenic. Review status: criteria provided, multiple submitters, no conflicts (2 of 4 stars). 2 submissions from 2 submitters: Pathogenic (2). Last evaluated 2025-07-21.

Conditions:
Familial thoracic aortic aneurysm and aortic dissection (TAAD). Also called: Thoracic aortic aneurysms and dissections. Identifiers: Orphanet 91387, MedGen C4707243, MONDO:0019625.

Submissions (2):

Ambry Genetics
Classification: Pathogenic for Familial thoracic aortic aneurysm and aortic dissection. Last evaluated: 2025-07-21. Review status: criteria provided, single submitter. Criteria: Ambry Variant Classification Scheme 2023. Collection method: clinical testing. Allele origin: germline.
Comment: The c.719_732dup14 pathogenic mutation, located in coding exon 6 of the SMAD3 gene, results from a duplication of TGAACCAGCGCGTC at nucleotide position 719, causing a translational frameshift with a predicted alternate stop codon (p.G245*). This variant is considered to be rare based on population cohorts in the Genome Aggregation Database (gnomAD). This alteration is expected to result in loss of function by premature protein truncation or nonsense-mediated mRNA decay. As such, this alteration is interpreted as a disease-causing mutation.

Labcorp Genetics (formerly Invitae), Labcorp
Classification: Pathogenic for Familial thoracic aortic aneurysm and aortic dissection. Last evaluated: 2024-07-03. Review status: criteria provided, single submitter. Criteria: Invitae Variant Classification Sherloc (09022015). Collection method: clinical testing. Allele origin: germline.
Comment: This sequence change creates a premature translational stop signal (p.Gly245*) in the SMAD3 gene. It is expected to result in an absent or disrupted protein product. Loss-of-function variants in SMAD3 are known to be pathogenic (PMID: 21778426, 24804794). This variant is not present in population databases (gnomAD no frequency). This variant has not been reported in the literature in individuals affected with SMAD3-related conditions. For these reasons, this variant has been classified as Pathogenic.

Literature cited by the submitters: PubMed 21778426 (cited by Labcorp Genetics (formerly Invitae), Labcorp); PubMed 24804794 (cited by Labcorp Genetics (formerly Invitae), Labcorp).

NM_005902.4(SMAD3):c.719_732dup (p.Gly245Ter)

Gene: SMAD3 (SMAD family member 3; plus strand). Cytogenetic location: 15q22.33.
Variant type: Duplication.
Coding change: c.719_732dup on transcript NM_005902.4 (MANE Select); coding-DNA positions 719 to 732, 14 bases duplicated (TGAACCAGCGCGTC).
Protein change: p.Gly245Ter; replaces glycine 245 with a stop codon.
Molecular consequence: nonsense.
Genome position (GRCh38, 1-based): chr15:67,181,301-67,181,314, TGAACCAGCGCGTC duplicated; duplicating any 14 consecutive bases within chr15:67,181,300-67,181,314 gives the same sequence; the c. name uses the placement nearest the transcript's 3' end. VCF-style (leftmost placement, unchanged base first): chr15-67181299-G-GCTGAACCAGCGCGT. GRCh37 (hg19) VCF-style: chr15-67473637-G-GCTGAACCAGCGCGT.
Other names: c.404_417dup, p.Gly140Ter (NM_001145102.2, NM_001407016.1); c.587_600dup, p.Gly201Ter (NM_001145103.2, NM_001407012.1); c.134_147dup, p.Gly50Ter (NM_001145104.2, NM_001407017.1); c.719_732dup, p.Gly245Ter (NM_001407011.1, NM_001407013.1); c.572_585dup, p.Gly196Ter (NM_001407014.1); c.272_285dup, p.Gly96Ter (NM_001407015.1); c.719_732dupTGAACCAGCGCGTC (NM_005902.3); short protein forms G196*, G201*, G50*, G245*, G140*, G96*.
Identifiers: ClinVar variation 3658636 (VCV003658636.3).
Genomic context (GRCh38, chr15:67,181,299, plus strand): 5'-AGACCTGCAGCCAGTTACCTACTGCGAGCCGGCCTTCTGGTGCTCCATCTCCTACTACGA[G>GCTGAACCAGCGCGT]CTGAACCAGCGCGTCGGGGAGACATTCCACGCCTCGCAGCCATCCATGACTGTGGATGGC-3'